The following is an entry in ClinVar:

NM_003906.5(MCM3AP):c.5563G>A (p.Ala1855Thr)

Genes: MCM3AP (minichromosome maintenance complex component 3 associated protein; minus strand), MCM3AP-AS1 (MCM3AP antisense RNA 1; plus strand). Cytogenetic location: 21q22.3.
Variant type: single nucleotide variant.
Coding change: c.5563G>A on transcript NM_003906.5 (MANE Select); coding-DNA position 5563, G replaced by A.
Protein change: p.Ala1855Thr; replaces alanine 1855 with threonine.
Molecular consequence: missense variant. On other transcripts: non-coding transcript variant (4).
Genome position (GRCh38, 1-based): chr21:46,240,881, C>T on the plus strand (G>A on the coding strand, the complement: MCM3AP is on the minus strand). VCF-style: chr21-46240881-C-T. GRCh37 (hg19) VCF-style: chr21-47660795-C-T.
Other names: short protein forms A1855T.
Identifiers: ClinVar variation 1435285 (VCV001435285.7), dbSNP rs562741625, ClinGen allele CA321976800.

ClinVar aggregate classification (germline): Uncertain significance (1 of 4 stars; one submission).

Allele frequency attached by ClinVar (database versions not stated): TOPMed 0.00001; gnomAD 0.00002.
gnomAD v4.1: 14 of 1,614,138 alleles (0.00087%); highest among the groups gnomAD compares: Middle Eastern, 0.033%; no homozygotes.

Submission:

Labcorp Genetics (formerly Invitae), Labcorp
Classification: Uncertain significance. Last evaluated: 2022-11-08. Review status: criteria provided, single submitter. Criteria: Invitae Variant Classification Sherloc (09022015). Collection method: clinical testing. Allele origin: germline.
Comment: Algorithms developed to predict the effect of missense changes on protein structure and function (SIFT, PolyPhen-2, Align-GVGD) all suggest that this variant is likely to be tolerated. In summary, the available evidence is currently insufficient to determine the role of this variant in disease. Therefore, it has been classified as a Variant of Uncertain Significance. ClinVar contains an entry for this variant (Variation ID: 1435285). This variant has not been reported in the literature in individuals affected with MCM3AP-related conditions. This variant is present in population databases (rs562741625, gnomAD 0.003%). This sequence change replaces alanine, which is neutral and non-polar, with threonine, which is neutral and polar, at codon 1855 of the MCM3AP protein (p.Ala1855Thr).